The following is an entry in ClinVar:

ClinVar aggregate classification (germline): Uncertain significance. Review status: criteria provided, multiple submitters, no conflicts (2 of 4 stars). 4 submissions from 4 submitters: Uncertain significance (4). Last evaluated 2024-04-12.

Conditions:
Primary ciliary dyskinesia. Also called: Ciliary dyskinesia. Identifiers: Orphanet 244, MedGen C0008780, MONDO:0016575, HP:0012265.
Primary ciliary dyskinesia 15. Also called: CILIARY DYSKINESIA, PRIMARY, 15, WITH OR WITHOUT SITUS INVERSUS. Identifiers: Orphanet 244, MedGen C3151137, MONDO:0013435, OMIM 613808.

Allele frequency attached by ClinVar (database versions not stated): ExAC 0.00004; gnomAD exomes 0.00006; TOPMed 0.00007; ESP Exome Variant Server 0.00008; gnomAD 0.00008 and 0.00009; 1000 Genomes Project 0.00020; 1000 Genomes Project 30x 0.00031.
gnomAD v4.1: 101 of 1,614,178 alleles (0.0063%); highest among the groups gnomAD compares: African/African-American, 0.02%; no homozygotes.

Submissions (4):

Blueprint Genetics
Classification: Uncertain significance. Last evaluated: 2024-04-12. Review status: criteria provided, single submitter. Criteria: ACMG Guidelines, 2015. Collection method: clinical testing. Allele origin: germline.

Ambry Genetics
Classification: Uncertain significance for Primary ciliary dyskinesia. Last evaluated: 2023-01-19. Review status: criteria provided, single submitter. Criteria: Ambry Variant Classification Scheme 2023. Collection method: clinical testing. Allele origin: germline.
Comment: The p.R1000Q variant (also known as c.2999G>A), located in coding exon 18 of the CCDC40 gene, results from a G to A substitution at nucleotide position 2999. The arginine at codon 1000 is replaced by glutamine, an amino acid with highly similar properties. This amino acid position is conserved. In addition, this alteration is predicted to be tolerated by in silico analysis. Since supporting evidence is limited at this time, the clinical significance of this alteration remains unclear.

Labcorp Genetics (formerly Invitae), Labcorp
Classification: Uncertain significance for Primary ciliary dyskinesia. Last evaluated: 2022-05-17. Review status: criteria provided, single submitter. Criteria: Invitae Variant Classification Sherloc (09022015). Collection method: clinical testing. Allele origin: germline.
Comment: This sequence change replaces arginine, which is basic and polar, with glutamine, which is neutral and polar, at codon 1000 of the CCDC40 protein (p.Arg1000Gln). This variant is present in population databases (rs369512832, gnomAD 0.02%). This variant has not been reported in the literature in individuals affected with CCDC40-related conditions. ClinVar contains an entry for this variant (Variation ID: 651981). Algorithms developed to predict the effect of missense changes on protein structure and function are either unavailable or do not agree on the potential impact of this missense change (SIFT: "Tolerated"; PolyPhen-2: "Possibly Damaging"; Align-GVGD: "Class C0"). In summary, the available evidence is currently insufficient to determine the role of this variant in disease. Therefore, it has been classified as a Variant of Uncertain Significance.

Fulgent Genetics
Classification: Uncertain significance for Primary ciliary dyskinesia 15. Last evaluated: 2022-01-04. Review status: criteria provided, single submitter. Criteria: ACMG Guidelines, 2015. Collection method: clinical testing. Allele origin: unknown.

NM_017950.4(CCDC40):c.2999G>A (p.Arg1000Gln)

Gene: CCDC40 (coiled-coil domain 40 molecular ruler complex subunit; plus strand). Cytogenetic location: 17q25.3.
Variant type: single nucleotide variant.
Coding change: c.2999G>A on transcript NM_017950.4 (MANE Select); coding-DNA position 2999, G replaced by A.
Protein change: p.Arg1000Gln; replaces arginine 1000 with glutamine.
Molecular consequence: missense variant.
Genome position (GRCh38, 1-based): chr17:80,095,429, G>A. VCF-style: chr17-80095429-G-A. GRCh37 (hg19) VCF-style: chr17-78069228-G-A.
Other names: short protein forms R1000Q.
Identifiers: ClinVar variation 651981 (VCV000651981.10), dbSNP rs369512832, ClinGen allele CA8814571.
Genomic context (GRCh38, chr17:80,095,429, plus strand): 5'-AGATGGACAGGAAGGCGCTCACCCGCACCGACTTCCACCACAAGCAGCTTGAGCTGCGCC[G>A]GAAAATCAGGGACGTTCGCAAGGTAGGGAGCAGCGGAAAGGAAACAGGGCGCCTGCTCCT-3'
Protein context (NP_060420.2, residues 990-1010): DFHHKQLELR[Arg1000Gln]KIRDVRKATD